The following is an entry in ClinVar:

NM_005045.4(RELN):c.4556T>C (p.Ile1519Thr)

Gene: RELN (reelin; minus strand). Cytogenetic location: 7q22.1.
Variant type: single nucleotide variant.
Coding change: c.4556T>C on transcript NM_005045.4 (MANE Select); coding-DNA position 4556, T replaced by C.
Protein change: p.Ile1519Thr; replaces isoleucine 1519 with threonine.
Molecular consequence: missense variant.
Genome position (GRCh38, 1-based): chr7:103,572,216, A>G on the plus strand (T>C on the coding strand, the complement: RELN is on the minus strand). VCF-style: chr7-103572216-A-G. GRCh37 (hg19) VCF-style: chr7-103212663-A-G.
Other names: c.4556T>C (NM_005045.3); c.4556T>C, p.Ile1519Thr (NM_173054.3); short protein forms I1519T.
Identifiers: ClinVar variation 2048818 (VCV002048818.5), dbSNP rs1830897999, ClinGen allele CA368749947.

ClinVar aggregate classification (germline): Uncertain significance. Review status: criteria provided, multiple submitters, no conflicts (2 of 4 stars). 2 submissions from 2 submitters: Uncertain significance (2). Last evaluated 2025-02-24.

Conditions:
Familial temporal lobe epilepsy 7. Identifiers: Orphanet 101046, MedGen C4225327, MONDO:0014639, OMIM 616436.
Norman-Roberts syndrome (LIS2). Also called: Lissencephaly 2 (Norman-Roberts type). Identifiers: Orphanet 89844, MedGen C0796089, MONDO:0009760, OMIM 257320.

Allele frequency attached by ClinVar (database versions not stated): gnomAD 0.00001.
gnomAD v4.1: 1 of 1,597,626 alleles (0.000063%); highest among the groups gnomAD compares: African/African-American, 0.0013%; no homozygotes.

Submissions (2):

Labcorp Genetics (formerly Invitae), Labcorp
Classification: Uncertain significance for Familial temporal lobe epilepsy 7; Norman-Roberts syndrome. Last evaluated: 2025-02-24. Review status: criteria provided, single submitter. Criteria: Invitae Variant Classification Sherloc (09022015). Collection method: clinical testing. Allele origin: germline.
Comment: This sequence change replaces isoleucine, which is neutral and non-polar, with threonine, which is neutral and polar, at codon 1519 of the RELN protein (p.Ile1519Thr). This variant is not present in population databases (gnomAD no frequency). This variant has not been reported in the literature in individuals affected with RELN-related conditions. ClinVar contains an entry for this variant (Variation ID: 2048818). Invitae Evidence Modeling of protein sequence and biophysical properties (such as structural, functional, and spatial information, amino acid conservation, physicochemical variation, residue mobility, and thermodynamic stability) indicates that this missense variant is not expected to disrupt RELN protein function with a negative predictive value of 80%. In summary, the available evidence is currently insufficient to determine the role of this variant in disease. Therefore, it has been classified as a Variant of Uncertain Significance.

GeneDx
Classification: Uncertain significance. Last evaluated: 2023-06-26. Review status: criteria provided, single submitter. Criteria: GeneDx Variant Classification Process June 2021. Collection method: clinical testing. Allele origin: germline. Affected: yes.
Comment: Not observed at significant frequency in large population cohorts (gnomAD); In silico analysis supports that this missense variant does not alter protein structure/function; Has not been previously published as pathogenic or benign to our knowledge